The following is an entry in ClinVar:

NM_006231.4(POLE):c.5236A>G (p.Asn1746Asp)

Gene: POLE (DNA polymerase epsilon, catalytic subunit; minus strand). Cytogenetic location: 12q24.33.
Variant type: single nucleotide variant.
Coding change: c.5236A>G on transcript NM_006231.4 (MANE Select); coding-DNA position 5236, A replaced by G.
Protein change: p.Asn1746Asp; replaces asparagine 1746 with aspartic acid.
Molecular consequence: missense variant.
Genome position (GRCh38, 1-based): chr12:132,641,789, T>C on the plus strand (A>G on the coding strand, the complement: POLE is on the minus strand). VCF-style: chr12-132641789-T-C. GRCh37 (hg19) VCF-style: chr12-133218375-T-C.
Other names: short protein forms N1746D.
Identifiers: ClinVar variation 1746254 (VCV001746254.2), dbSNP rs2138525624, ClinGen allele CA387376372.

ClinVar aggregate classification (germline): Uncertain significance (1 of 4 stars; one submission).

Conditions:
Hereditary cancer-predisposing syndrome. Also called: Hereditary Cancer Syndrome; Neoplastic Syndromes, Hereditary; Tumor predisposition; Hereditary neoplastic syndrome. Identifiers: Orphanet 140162, MedGen C0027672, MeSH D009386, MONDO:0015356.

Submission:

Ambry Genetics
Classification: Uncertain significance for Hereditary cancer-predisposing syndrome. Last evaluated: 2021-09-04. Review status: criteria provided, single submitter. Criteria: Ambry Variant Classification Scheme 2023. Collection method: clinical testing. Allele origin: germline.
Comment: The p.N1746D variant (also known as c.5236A>G), located in coding exon 39 of the POLE gene, results from an A to G substitution at nucleotide position 5236. The asparagine at codon 1746 is replaced by aspartic acid, an amino acid with highly similar properties. This amino acid position is conserved. In addition, this alteration is predicted to be tolerated by in silico analysis. Since supporting evidence is limited at this time, the clinical significance of this alteration remains unclear.